The following is an entry in ClinVar:

NM_001378418.1(TCF20):c.5323A>G (p.Lys1775Glu)

Gene: TCF20 (transcription factor 20; minus strand). Cytogenetic location: 22q13.2.
Variant type: single nucleotide variant.
Coding change: c.5323A>G on transcript NM_001378418.1 (MANE Select); coding-DNA position 5323, A replaced by G.
Protein change: p.Lys1775Glu; replaces lysine 1775 with glutamic acid.
Molecular consequence: missense variant.
Genome position (GRCh38, 1-based): chr22:42,209,983, T>C on the plus strand (A>G on the coding strand, the complement: TCF20 is on the minus strand). VCF-style: chr22-42209983-T-C. GRCh37 (hg19) VCF-style: chr22-42605989-T-C.
Other names: c.5323A>G, p.Lys1775Glu (NM_005650.4, NM_181492.3); short protein forms K1775E.
Identifiers: ClinVar variation 3175120 (VCV003175120.1), dbSNP rs768655264, ClinGen allele CA10266500.

ClinVar aggregate classification (germline): Uncertain significance (1 of 4 stars; one submission).

Conditions:
Inborn genetic diseases. Identifiers: MedGen C0950123, MeSH D030342.

Allele frequency attached by ClinVar (database versions not stated): TOPMed below 0.00001; ExAC 0.00001.

Submission:

Ambry Genetics
Classification: Uncertain significance for Inborn genetic diseases. Last evaluated: 2024-01-08. Review status: criteria provided, single submitter. Criteria: Ambry Variant Classification Scheme 2023. Collection method: clinical testing. Allele origin: germline.
Comment: The c.5323A>G (p.K1775E) alteration is located in exon 1 (coding exon 1) of the TCF20 gene. This alteration results from a A to G substitution at nucleotide position 5323, causing the lysine (K) at amino acid position 1775 to be replaced by a glutamic acid (E). This variant was not reported in population-based cohorts in the Genome Aggregation Database (gnomAD). This amino acid position is highly conserved in available vertebrate species. The in silico prediction for this alteration is inconclusive. Based on insufficient or conflicting evidence, the clinical significance of this alteration remains unclear.